The following is an entry in ClinVar:

ClinVar aggregate classification (germline): Benign. Review status: criteria provided, single submitter (1 of 4 stars). 2 submissions from 1 submitter: Benign (2). Last evaluated 2018-01-13.

Conditions:
Neuroferritinopathy (NBIA3). Also called: NEURODEGENERATION WITH BRAIN IRON ACCUMULATION 3; BASAL GANGLIA DISEASE, ADULT-ONSET. Identifiers: Orphanet 157846, MedGen C1853578, MONDO:0011638, OMIM 606159.
Hereditary hyperferritinemia with congenital cataracts. Also called: Hereditary hyperferritinemia cataract syndrome; Bonneau-Beaumont syndrome; HYPERFERRITINEMIA WITH OR WITHOUT CATARACT. Identifiers: Orphanet 163, MedGen C1833213, MONDO:0010952, OMIM 600886.

Allele frequency attached by ClinVar (database versions not stated): TOPMed 0.00003; ESP Exome Variant Server 0.00008; 1000 Genomes Project 30x 0.00016; gnomAD exomes 0.00019 and 0.00037; 1000 Genomes Project 0.00020; ExAC 0.00036.
gnomAD v4.1: 284 of 1,611,902 alleles (0.018%); highest among the groups gnomAD compares: South Asian, 0.27%; 1 homozygote.

Submissions (2):

Illumina Laboratory Services, Illumina
Classification: Benign for Neuroferritinopathy. Last evaluated: 2018-01-13. Review status: criteria provided, single submitter. Criteria: ICSL Variant Classification Criteria 13 December 2019. Collection method: clinical testing. Allele origin: germline.
Comment: This variant was observed in the ICSL laboratory as part of a predisposition screen in an ostensibly healthy population. It had not been previously curated by ICSL or reported in the Human Gene Mutation Database (HGMD: prior to June 1st, 2018), and was therefore a candidate for classification through an automated scoring system. Utilizing variant allele frequency, disease prevalence and penetrance estimates, and inheritance mode, an automated score was calculated to assess if this variant is too frequent to cause the disease. Based on the score and internal cut-off values, a variant classified as benign is not then subjected to further curation. The score for this variant resulted in a classification of benign for this disease.

Illumina Laboratory Services, Illumina
Classification: Benign for Hereditary hyperferritinemia with congenital cataracts. Last evaluated: 2018-01-13. Review status: criteria provided, single submitter. Criteria: ICSL Variant Classification Criteria 13 December 2019. Collection method: clinical testing. Allele origin: germline.
Comment: the same text as in the submission from Illumina Laboratory Services, Illumina above.

NM_000146.4(FTL):c.*24C>T

Gene: FTL (ferritin light chain; plus strand). Cytogenetic location: 19q13.33.
Variant type: single nucleotide variant.
Coding change: c.*24C>T on transcript NM_000146.4 (MANE Select); 24 bases downstream of the stop codon, C replaced by T.
Molecular consequence: 3 prime UTR variant.
Genome position (GRCh38, 1-based): chr19:48,966,759, C>T. VCF-style: chr19-48966759-C-T. GRCh37 (hg19) VCF-style: chr19-49470016-C-T.
Identifiers: ClinVar variation 329788 (VCV000329788.5), dbSNP rs368083362, ClinGen allele CA9562602.
Genomic context (GRCh38, chr19:48,966,759, plus strand): 5'-GTATCTCTTCGAAAGGCTCACTCTCAAGCACGACTAAGAGCCTTCTGAGCCCAGCGACTT[C>T]TGAAGGGCCCCTTGCAAAGTAATAGGGCTTCTGCCTAAGCCTCTCCCTCCAGCCAATAGG-3'